The following is an entry in ClinVar:

NM_006180.6(NTRK2):c.2411G>C (p.Gly804Ala)

Gene: NTRK2 (neurotrophic receptor tyrosine kinase 2; plus strand). Cytogenetic location: 9q21.33.
Variant type: single nucleotide variant.
Coding change: c.2411G>C on transcript NM_006180.6 (MANE Select); coding-DNA position 2411, G replaced by C.
Protein change: p.Gly804Ala; replaces glycine 804 with alanine.
Molecular consequence: missense variant.
Genome position (GRCh38, 1-based): chr9:85,021,331, G>C. VCF-style: chr9-85021331-G-C. GRCh37 (hg19) VCF-style: chr9-87636246-G-C.
Other names: c.2363G>C, p.Gly788Ala (NM_001018064.3, NM_001369532.1, NM_001369533.1); c.2327G>C, p.Gly776Ala (NM_001369534.1); c.1895G>C, p.Gly632Ala (NM_001369535.1); c.1943G>C, p.Gly648Ala (NM_001369536.1); short protein forms G632A, G648A, G776A, G788A, G804A.
Identifiers: ClinVar variation 3767749 (VCV003767749.1).
Genomic context (GRCh38, chr9:85,021,331, plus strand): 5'-AGGGCCGAGTCCTGCAGCGACCCCGCACGTGCCCCCAGGAGGTGTATGAGCTGATGCTGG[G>C]GTGCTGGCAGCGAGAGCCCCACATGAGGAAGAACATCAAGGGCATCCATACCCTCCTTCA-3'
Protein context (NP_006171.2, residues 794-814): CPQEVYELML[Gly804Ala]CWQREPHMRK

ClinVar aggregate classification (germline): Uncertain significance (1 of 4 stars; one submission).

gnomAD v4.1: 1 of 1,614,132 alleles (0.000062%); highest among the groups gnomAD compares: South Asian, 0.0011%; no homozygotes.

Submission:

GeneDx
Classification: Uncertain significance. Last evaluated: 2024-08-29. Review status: criteria provided, single submitter. Criteria: GeneDx Variant Classification Process June 2021. Collection method: clinical testing. Allele origin: germline. Affected: yes.
Comment: Not observed at significant frequency in large population cohorts (gnomAD); In silico analysis supports that this missense variant has a deleterious effect on protein structure/function; Has not been previously published as pathogenic or benign to our knowledge